The following is an entry in ClinVar:

NM_005732.4(RAD50):c.1136A>G (p.Glu379Gly)

Gene: RAD50 (RAD50 double strand break repair protein; plus strand). Cytogenetic location: 5q31.1.
Variant type: single nucleotide variant.
Coding change: c.1136A>G on transcript NM_005732.4 (MANE Select); coding-DNA position 1136, A replaced by G.
Protein change: p.Glu379Gly; replaces glutamic acid 379 with glycine.
Molecular consequence: missense variant.
Genome position (GRCh38, 1-based): chr5:132,588,771, A>G. VCF-style: chr5-132588771-A-G. GRCh37 (hg19) VCF-style: chr5-131924463-A-G.
Other names: short protein forms E379G.
Identifiers: ClinVar variation 846096 (VCV000846096.10), dbSNP rs1750643347, ClinGen allele CA360942584.
Genomic context (GRCh38, chr5:132,588,771, plus strand): 5'-GCCATCAAGAACATATCCGAGCTAGAGATTCATTAATTCAGTCTTTGGCAACACAGCTAG[A>G]ATTGGATGGCTTTGAGCGTGGACCATTCAGTGAAAGACAGATTAAAAATTTTCACAAACT-3'
Protein context (NP_005723.2, residues 369-389): SLIQSLATQL[Glu379Gly]LDGFERGPFS

ClinVar aggregate classification (germline): Uncertain significance (1 of 4 stars; one submission).

Conditions:
Hereditary cancer-predisposing syndrome. Also called: Tumor predisposition; Hereditary neoplastic syndrome; Neoplastic Syndromes, Hereditary; Hereditary Cancer Syndrome. Identifiers: Orphanet 140162, MedGen C0027672, MeSH D009386, MONDO:0015356.

Submission:

Labcorp Genetics (formerly Invitae), Labcorp
Classification: Uncertain significance for Hereditary cancer-predisposing syndrome. Last evaluated: 2023-12-11. Review status: criteria provided, single submitter. Criteria: Invitae Variant Classification Sherloc (09022015). Collection method: clinical testing. Allele origin: germline.
Comment: This sequence change replaces glutamic acid, which is acidic and polar, with glycine, which is neutral and non-polar, at codon 379 of the RAD50 protein (p.Glu379Gly). This variant is not present in population databases (gnomAD no frequency). This variant has not been reported in the literature in individuals affected with RAD50-related conditions. ClinVar contains an entry for this variant (Variation ID: 846096). Advanced modeling of protein sequence and biophysical properties (such as structural, functional, and spatial information, amino acid conservation, physicochemical variation, residue mobility, and thermodynamic stability) performed at Invitae indicates that this missense variant is not expected to disrupt RAD50 protein function with a negative predictive value of 80%. In summary, the available evidence is currently insufficient to determine the role of this variant in disease. Therefore, it has been classified as a Variant of Uncertain Significance.